The following is an entry in ClinVar:

NM_005585.5(SMAD6):c.160G>A (p.Gly54Ser)

Gene: SMAD6 (SMAD family member 6; plus strand). Cytogenetic location: 15q22.31.
Variant type: single nucleotide variant.
Coding change: c.160G>A on transcript NM_005585.5 (MANE Select); coding-DNA position 160, G replaced by A.
Protein change: p.Gly54Ser; replaces glycine 54 with serine.
Molecular consequence: missense variant. On other transcripts: non-coding transcript variant (1).
Genome position (GRCh38, 1-based): chr15:66,703,418, G>A. VCF-style: chr15-66703418-G-A. GRCh37 (hg19) VCF-style: chr15-66995756-G-A.
Other names: short protein forms G54S.
Identifiers: ClinVar variation 4808660 (VCV004808660.1).
Genomic context (GRCh38, chr15:66,703,418, plus strand): 5'-GACGAGGATGGGAGCTTGGGCAGCCGAGCTGAGCCGGCCCCGCGGGCAAGAGAGGGCGGA[G>A]GCTGCGGCCGCTCCGAAGTCCGCCCGGTAGCCCCGCGGCGGCCCCGGGACGCAGTGGGAC-3'
Protein context (NP_005576.3, residues 44-64): EPAPRAREGG[Gly54Ser]CGRSEVRPVA

ClinVar aggregate classification (germline): Uncertain significance (1 of 4 stars; one submission).

Conditions:
Aortic valve disease 2 (AOVD2). Identifiers: MedGen C3542024, MONDO:0013902, OMIM 614823.

gnomAD v4.1: 1 of 1,318,550 alleles (0.000076%); highest among the groups gnomAD compares: Non-Finnish European, 0.000097%; no homozygotes.

Submission:

Labcorp Genetics (formerly Invitae), Labcorp
Classification: Uncertain significance for Aortic valve disease 2. Last evaluated: 2025-09-06. Review status: criteria provided, single submitter. Criteria: Invitae Variant Classification Sherloc (09022015). Collection method: clinical testing. Allele origin: germline.
Comment: This sequence change replaces glycine, which is neutral and non-polar, with serine, which is neutral and polar, at codon 54 of the SMAD6 protein (p.Gly54Ser). This variant is not present in population databases (gnomAD no frequency). This variant has not been reported in the literature in individuals affected with SMAD6-related conditions. An algorithm developed to predict the effect of missense changes on protein structure and function (PolyPhen-2) suggests that this variant is likely to be tolerated. In summary, the available evidence is currently insufficient to determine the role of this variant in disease. Therefore, it has been classified as a Variant of Uncertain Significance.